The following is an entry in ClinVar:

NM_001286446.3(RIPOR2):c.69G>C (p.Gln23His)

Gene: RIPOR2 (RHO family interacting cell polarization regulator 2; minus strand). Cytogenetic location: 6p22.3.
Variant type: single nucleotide variant.
Coding change: c.69G>C on transcript NM_001286446.3; coding-DNA position 69, G replaced by C.
Protein change: p.Gln23His; replaces glutamine 23 with histidine.
Molecular consequence: missense variant.
Genome position (GRCh38, 1-based): chr6:25,041,858, C>G on the plus strand (G>C on the coding strand, the complement: RIPOR2 is on the minus strand). VCF-style: chr6-25041858-C-G. GRCh37 (hg19) VCF-style: chr6-25042086-C-G.
Other names: short protein forms Q23H.
Identifiers: ClinVar variation 4874682 (VCV004874682.2).

ClinVar aggregate classification (germline): Uncertain significance (1 of 4 stars; one submission).

gnomAD v4.1: 1 of 702,778 alleles (0.00014%); highest among the groups gnomAD compares: Admixed American, 0.002%; no homozygotes.

Submission:

CeGaT Center for Human Genetics Tuebingen
Classification: Uncertain significance. Last evaluated: 2026-04-01. Review status: criteria provided, single submitter. Criteria: CeGaT Center For Human Genetics Tuebingen Variant Classification Criteria Version 2. Collection method: clinical testing. Allele origin: germline. Affected: yes. Observed: 1 variant allele.
Comment: RIPOR2: PM2, BP4